The following is an entry in ClinVar:

NM_001042492.3(NF1):c.4570A>G (p.Ser1524Gly)

Gene: NF1 (neurofibromin 1; plus strand). Cytogenetic location: 17q11.2.
Variant type: single nucleotide variant.
Coding change: c.4570A>G on transcript NM_001042492.3 (MANE Select); coding-DNA position 4570, A replaced by G.
Protein change: p.Ser1524Gly; replaces serine 1524 with glycine.
Molecular consequence: missense variant.
Genome position (GRCh38, 1-based): chr17:31,260,508, A>G. VCF-style: chr17-31260508-A-G. GRCh37 (hg19) VCF-style: chr17-29587526-A-G.
Other names: c.4507A>G, p.Ser1503Gly (NM_000267.4); short protein forms S1503G, S1524G.
Identifiers: ClinVar variation 1420235 (VCV001420235.6), dbSNP rs2151464855, ClinGen allele CA398999946.
Genomic context (GRCh38, chr17:31,260,508, plus strand): 5'-GTGCTTGCTTTACATCGTCTACTCTGGAACAATCAGGAGAAAATTGGGCAGTATCTTTCC[A>G]GCAACAGGTAAGATTTCCCAGTCATGGGGATAGTGAACACTCTCCGTTTAAATTTAGATT-3'
Protein context (NP_001035957.1, residues 1514-1534): NQEKIGQYLS[Ser1524Gly]NRDHKAVGRR

ClinVar aggregate classification (germline): Uncertain significance (1 of 4 stars; one submission).

Conditions:
Neurofibromatosis, type 1 (NF1). Also called: VON RECKLINGHAUSEN DISEASE; NEUROFIBROMATOSIS, TYPE I, SOMATIC; Neurofibromatosis, type I; Peripheral type neurofibromatosis. Identifiers: Orphanet 636, MedGen C0027831, MONDO:0018975, OMIM 162200. Disease mechanism: loss of function.

Submission:

Labcorp Genetics (formerly Invitae), Labcorp
Classification: Uncertain significance for Neurofibromatosis, type 1. Last evaluated: 2021-10-11. Review status: criteria provided, single submitter. Criteria: Invitae Variant Classification Sherloc (09022015). Collection method: clinical testing. Allele origin: germline.
Comment: This variant is not present in population databases (ExAC no frequency). This sequence change replaces serine with glycine at codon 1503 of the NF1 protein (p.Ser1503Gly). The serine residue is moderately conserved and there is a small physicochemical difference between serine and glycine. This variant has not been reported in the literature in individuals affected with NF1-related conditions. In summary, the available evidence is currently insufficient to determine the role of this variant in disease. Therefore, it has been classified as a Variant of Uncertain Significance. Algorithms developed to predict the effect of missense changes on protein structure and function (SIFT, PolyPhen-2, Align-GVGD) all suggest that this variant is likely to be tolerated.